The following is an entry in ClinVar:

NM_001287.6(CLCN7):c.1553T>A (p.Leu518Gln)

Gene: CLCN7 (Cl-/H+ antiporter 7; minus strand). Cytogenetic location: 16p13.3.
Variant type: single nucleotide variant.
Coding change: c.1553T>A on transcript NM_001287.6 (MANE Select); coding-DNA position 1553, T replaced by A.
Protein change: p.Leu518Gln; replaces leucine 518 with glutamine.
Molecular consequence: missense variant.
Genome position (GRCh38, 1-based): chr16:1,450,561, A>T on the plus strand (T>A on the coding strand, the complement: CLCN7 is on the minus strand). VCF-style: chr16-1450561-A-T. GRCh37 (hg19) VCF-style: chr16-1500562-A-T.
Other names: c.1481T>A, p.Leu494Gln (NM_001114331.3); short protein forms L518Q, L494Q.
Identifiers: ClinVar variation 4761988 (VCV004761988.1).
Genomic context (GRCh38, chr16:1,450,561, plus strand): 5'-GCCCCCGTGAGGTAGGACAGGGAGATCCCAAAGAGCCGGCCCCAGGCAGCCCCGATGAGC[A>T]GGGACGGGATGAAGACCCCGGCAGACACCGTGAGCCCGTAGGTCCAGCAGGCCAGGAAGA-3'
Protein context (NP_001278.1, residues 508-528): TVSAGVFIPS[Leu518Gln]LIGAAWGRLF

ClinVar aggregate classification (germline): Uncertain significance (1 of 4 stars; one submission).

gnomAD v4.1: 3 of 1,612,132 alleles (0.00019%); highest among the groups gnomAD compares: Non-Finnish European, 0.00025%; no homozygotes.

Submission:

Labcorp Genetics (formerly Invitae), Labcorp
Classification: Uncertain significance. Last evaluated: 2025-10-01. Review status: criteria provided, single submitter. Criteria: Invitae Variant Classification Sherloc (09022015). Collection method: clinical testing. Allele origin: germline.
Comment: This sequence change replaces leucine, which is neutral and non-polar, with glutamine, which is neutral and polar, at codon 518 of the CLCN7 protein (p.Leu518Gln). This variant is not present in population databases (gnomAD no frequency). This variant has not been reported in the literature in individuals affected with CLCN7-related conditions. Invitae Evidence Modeling of protein sequence and biophysical properties (such as structural, functional, and spatial information, amino acid conservation, physicochemical variation, residue mobility, and thermodynamic stability) indicates that this missense variant is expected to disrupt CLCN7 protein function with a positive predictive value of 95%. In summary, the available evidence is currently insufficient to determine the role of this variant in disease. Therefore, it has been classified as a Variant of Uncertain Significance.